The following is an entry in ClinVar:

ClinVar aggregate classification (germline): Uncertain significance (1 of 4 stars; one submission).

Allele frequency attached by ClinVar (database versions not stated): ExAC 0.00012.
gnomAD v4.1: 46 of 1,613,672 alleles (0.0029%); highest among the groups gnomAD compares: Admixed American, 0.075%; no homozygotes.

Submission:

Labcorp Genetics (formerly Invitae), Labcorp
Classification: Uncertain significance. Last evaluated: 2024-04-25. Review status: criteria provided, single submitter. Criteria: Invitae Variant Classification Sherloc (09022015). Collection method: clinical testing. Allele origin: germline.
Comment: This sequence change replaces aspartic acid, which is acidic and polar, with asparagine, which is neutral and polar, at codon 3511 of the VPS13D protein (p.Asp3511Asn). This variant is present in population databases (rs778955152, gnomAD 0.1%). This variant has not been reported in the literature in individuals affected with VPS13D-related conditions. ClinVar contains an entry for this variant (Variation ID: 2075282). Advanced modeling of protein sequence and biophysical properties (such as structural, functional, and spatial information, amino acid conservation, physicochemical variation, residue mobility, and thermodynamic stability) performed at Invitae indicates that this missense variant is not expected to disrupt VPS13D protein function with a negative predictive value of 80%. In summary, the available evidence is currently insufficient to determine the role of this variant in disease. Therefore, it has been classified as a Variant of Uncertain Significance.

NM_015378.4(VPS13D):c.10531G>A (p.Asp3511Asn)

Gene: VPS13D (vacuolar protein sorting 13 homolog D; plus strand). Cytogenetic location: 1p36.22.
Variant type: single nucleotide variant.
Coding change: c.10531G>A on transcript NM_015378.4 (MANE Select); coding-DNA position 10531, G replaced by A.
Protein change: p.Asp3511Asn; replaces aspartic acid 3511 with asparagine.
Molecular consequence: missense variant.
Genome position (GRCh38, 1-based): chr1:12,368,550, G>A. VCF-style: chr1-12368550-G-A. GRCh37 (hg19) VCF-style: chr1-12428605-G-A.
Other names: c.10456G>A, p.Asp3486Asn (NM_018156.4); short protein forms D3486N, D3511N.
Identifiers: ClinVar variation 2075282 (VCV002075282.2), dbSNP rs778955152, ClinGen allele CA603715.